The following is an entry in ClinVar:

NM_014244.5(ADAMTS2):c.88_89insTC (p.Pro30fs)

Gene: ADAMTS2 (ADAM metallopeptidase with thrombospondin type 1 motif 2; minus strand). Cytogenetic location: 5q35.3.
Variant type: Insertion.
Coding change: c.88_89insTC on transcript NM_014244.5 (MANE Select); coding-DNA positions 88 to 89, TC inserted.
Protein change: p.Pro30fs; shifts the reading frame from proline 30.
Molecular consequence: frameshift variant.
Genome position: GRCh38 VCF-style: chr5-179345240-G-GGA. GRCh37 (hg19) VCF-style: chr5-178772241-G-GGA.
Other names: c.88_89insTC, p.Pro30fs (NM_021599.4); short protein forms P30fs.
Identifiers: ClinVar variation 5015254 (VCV005015254.1).

ClinVar aggregate classification (germline): Pathogenic (1 of 4 stars; one submission).

Conditions:
Ehlers-Danlos syndrome, dermatosparaxis type. Also called: EDS VIIC; Dermatosparaxis; Ehlers-Danlos syndrome, type VII, autosomal recessive. Identifiers: Orphanet 1901, MedGen C2700425, MONDO:0009161, OMIM 225410.

Submission:

Myriad Genetics, Inc.
Classification: Pathogenic for Ehlers-Danlos syndrome, dermatosparaxis type. Last evaluated: 2025-11-23. Review status: criteria provided, single submitter. Criteria: Myriad Autosomal Dominant, Autosomal Recessive and X-Linked Classification Criteria (2023). Collection method: clinical testing. Allele origin: unknown.
Comment: NM_014244.4(ADAMTS2):c.88_89insTC(P30Lfs*136) is expected to be pathogenic in the context of Ehlers-Danlos syndrome, ADAMTS2-related. This variant is predicted to lead to an abnormal or absent protein product due to the creation of a premature termination codon in ADAMTS2, a gene where loss-of-function variants are known to be pathogenic. Please note: this variant was assessed in the context of healthy population screening.